The following is an entry in ClinVar:

NM_153046.3(TDRD9):c.2772_2773del (p.Glu924fs)

Gene: TDRD9 (tudor domain containing 9; plus strand). Cytogenetic location: 14q32.33.
Variant type: Microsatellite.
Coding change: c.2772_2773del on transcript NM_153046.3 (MANE Select); coding-DNA positions 2772 to 2773, 2 bases deleted (GA; older notation c.2772_2773delGA).
Protein change: p.Glu924fs; shifts the reading frame from glutamic acid 924.
Molecular consequence: frameshift variant.
Genome position (GRCh38, 1-based): chr14:104,025,617-104,025,618, GA deleted; deleting any 2 consecutive bases within chr14:104,025,614-104,025,618 gives the same sequence; the c. name uses the placement nearest the transcript's 3' end. VCF-style (leftmost placement, unchanged base first): chr14-104025613-CAG-C. GRCh37 (hg19) VCF-style: chr14-104491950-CAG-C.
Other names: short protein forms E924fs.
Identifiers: ClinVar variation 2071661 (VCV002071661.1), dbSNP rs1236159921, ClinGen allele CA703334229.

ClinVar aggregate classification (germline): Pathogenic (1 of 4 stars; one submission).

Submission:

Labcorp Genetics (formerly Invitae), Labcorp
Classification: Pathogenic. Last evaluated: 2022-07-05. Review status: criteria provided, single submitter. Criteria: Invitae Variant Classification Sherloc (09022015). Collection method: clinical testing. Allele origin: germline.
Comment: This sequence change creates a premature translational stop signal (p.Glu924Aspfs*8) in the TDRD9 gene. It is expected to result in an absent or disrupted protein product. Loss-of-function variants in TDRD9 are known to be pathogenic (PMID: 20059948, 28536242). This variant is not present in population databases (gnomAD no frequency). This variant has not been reported in the literature in individuals affected with TDRD9-related conditions. For these reasons, this variant has been classified as Pathogenic.

Literature cited by the submitters: PubMed 20059948; PubMed 28536242.